The following is an entry in ClinVar:

NM_001142800.2(EYS):c.78_79dup (p.Gln27fs)

Gene: EYS (EGF-like photoreceptor maintenance factor; minus strand). Cytogenetic location: 6q12.
Variant type: Duplication.
Coding change: c.78_79dup on transcript NM_001142800.2 (MANE Select); coding-DNA positions 78 to 79, 2 bases duplicated (GC; older notation c.78_79dupGC).
Protein change: p.Gln27fs; shifts the reading frame from glutamine 27.
Molecular consequence: frameshift variant.
Genome position (GRCh38, 1-based): chr6:65,495,332-65,495,333, GC duplicated on the plus strand (GC on the coding strand, the reverse complement: EYS is on the minus strand). VCF-style (leftmost placement, unchanged base first): chr6-65495331-T-TGC. GRCh37 (hg19) VCF-style: chr6-66205224-T-TGC.
Other names: c.78_79dup, p.Gln27fs (NM_001142801.2, NM_001292009.2, NM_198283.2); short protein forms Q27fs.
Identifiers: ClinVar variation 1032663 (VCV001032663.12), dbSNP rs1352380841, ClinGen allele CA568119280.

ClinVar aggregate classification (germline): Pathogenic. Review status: criteria provided, multiple submitters, no conflicts (2 of 4 stars). 2 submissions from 2 submitters: Pathogenic (2). Last evaluated 2024-06-13.

Conditions:
Retinitis pigmentosa 25 (RP25). Identifiers: Orphanet 791, MedGen C1864446, MONDO:0011272, OMIM 602772.

Allele frequency attached by ClinVar (database versions not stated): gnomAD exomes 0.00001 and 0.00003; gnomAD 0.00002; TOPMed 0.00006.

Submissions (2):

Fulgent Genetics
Classification: Pathogenic for Retinitis pigmentosa 25. Last evaluated: 2024-06-13. Review status: criteria provided, single submitter. Criteria: ACMG Guidelines, 2015. Collection method: clinical testing. Allele origin: germline.

Labcorp Genetics (formerly Invitae), Labcorp
Classification: Pathogenic. Last evaluated: 2020-11-19. Review status: criteria provided, single submitter. Criteria: Invitae Variant Classification Sherloc (09022015). Collection method: clinical testing. Allele origin: germline.
Comment: This variant has been observed in individual(s) with retinitis pigmentosa (PMID: 21069908). This variant is not present in population databases (ExAC no frequency). This sequence change creates a premature translational stop signal (p.Gln27Argfs*16) in the EYS gene. It is expected to result in an absent or disrupted protein product. Loss-of-function variants in EYS are known to be pathogenic (PMID: 18836446, 20333770). For these reasons, this variant has been classified as Pathogenic.

Literature cited by the submitters: PubMed 21069908 (cited by Labcorp Genetics (formerly Invitae), Labcorp); PubMed 18836446 (cited by Labcorp Genetics (formerly Invitae), Labcorp); PubMed 20333770 (cited by Labcorp Genetics (formerly Invitae), Labcorp).